The following is an entry in ClinVar:

ClinVar aggregate classification (germline): Uncertain significance (1 of 4 stars; one submission).

Allele frequency attached by ClinVar (database versions not stated): gnomAD exomes below 0.00001; TOPMed below 0.00001; ExAC 0.00001; gnomAD 0.00001.
gnomAD v4.1: 6 of 1,614,020 alleles (0.00037%); highest among the groups gnomAD compares: Non-Finnish European, 0.00051%; no homozygotes.

Submission:

Labcorp Genetics (formerly Invitae), Labcorp
Classification: Uncertain significance. Last evaluated: 2021-03-12. Review status: criteria provided, single submitter. Criteria: Invitae Variant Classification Sherloc (09022015). Collection method: clinical testing. Allele origin: germline.
Comment: This sequence change replaces tyrosine with histidine at codon 3119 of the VCAN protein (p.Tyr3119His). The tyrosine residue is moderately conserved and there is a moderate physicochemical difference between tyrosine and histidine. This variant is present in population databases (rs773830482, ExAC 0.001%). This variant has not been reported in the literature in individuals with VCAN-related conditions. Algorithms developed to predict the effect of missense changes on protein structure and function (SIFT, PolyPhen-2, Align-GVGD) all suggest that this variant is likely to be disruptive, but these predictions have not been confirmed by published functional studies and their clinical significance is uncertain. In summary, the available evidence is currently insufficient to determine the role of this variant in disease. Therefore, it has been classified as a Variant of Uncertain Significance.

NM_004385.5(VCAN):c.9355T>C (p.Tyr3119His)

Genes: VCAN (versican; plus strand), VCAN-AS1 (VCAN antisense RNA 1; minus strand). Cytogenetic location: 5q14.3.
Variant type: single nucleotide variant.
Coding change: c.9355T>C on transcript NM_004385.5 (MANE Select); coding-DNA position 9355, T replaced by C.
Protein change: p.Tyr3119His; replaces tyrosine 3119 with histidine.
Molecular consequence: missense variant.
Genome position (GRCh38, 1-based): chr5:83,545,626, T>C. VCF-style: chr5-83545626-T-C. GRCh37 (hg19) VCF-style: chr5-82841445-T-C.
Other names: c.1132T>C, p.Tyr378His (NM_001126336.3); c.6394T>C, p.Tyr2132His (NM_001164097.2); c.4093T>C, p.Tyr1365His (NM_001164098.2); short protein forms Y378H, Y1365H, Y2132H, Y3119H.
Identifiers: ClinVar variation 1462562 (VCV001462562.8), dbSNP rs773830482, ClinGen allele CA3333977.